The following is an entry in ClinVar:

NM_001267550.2(TTN):c.81901G>A (p.Gly27301Ser)

Genes: TTN (titin; minus strand), TTN-AS1 (TTN antisense RNA 1; plus strand). Cytogenetic location: 2q31.2.
Variant type: single nucleotide variant.
Coding change: c.81901G>A on transcript NM_001267550.2 (MANE Select); coding-DNA position 81901, G replaced by A.
Protein change: p.Gly27301Ser; replaces glycine 27301 with serine.
Molecular consequence: missense variant.
Genome position (GRCh38, 1-based): chr2:178,564,231, C>T on the plus strand (G>A on the coding strand, the complement: TTN is on the minus strand). VCF-style: chr2-178564231-C-T. GRCh37 (hg19) VCF-style: chr2-179428958-C-T.
Other names: c.76978G>A, p.Gly25660Ser (NM_001256850.1); c.54706G>A, p.Gly18236Ser (NM_003319.4); c.55081G>A, p.Gly18361Ser (NM_133432.3); c.55282G>A, p.Gly18428Ser (NM_133437.4); c.74197G>A, p.Gly24733Ser (NM_133378.4); short protein forms G24733S, G27301S, G18361S, G18428S, G25660S, G18236S.
Identifiers: ClinVar variation 179128 (VCV000179128.5), dbSNP rs727504650, ClinGen allele CA183780.

ClinVar aggregate classification (germline): Uncertain significance (1 of 4 stars; one submission).

Submission:

Laboratory for Molecular Medicine, Mass General Brigham Personalized Medicine
Classification: Uncertain significance. Last evaluated: 2013-08-11. Review status: criteria provided, single submitter. Criteria: LMM Criteria. Collection method: clinical testing. Allele origin: germline. Observed: 1 variant allele.
Comment: The Gly24733Ser variant in TTN has not been reported in the literature or in lar ge population studies. Computational analyses (biochemical amino acid properties , conservation, AlignGVGD, PolyPhen2, and SIFT) do not provide strong support fo r or against an impact to the protein. Additional information is needed to fully assess the clinical significance of the Gly24733Ser variant.